The following is an entry in ClinVar:

ClinVar aggregate classification (germline): Uncertain significance. Review status: criteria provided, multiple submitters, no conflicts (2 of 4 stars). 2 submissions from 2 submitters: Uncertain significance (2). Last evaluated 2025-10-20.

Conditions:
Progressive microcephaly-seizures-cortical blindness-developmental delay syndrome. Also called: Seizures, cortical blindness, and microcephaly syndrome. Identifiers: Orphanet 477814, MedGen C5567650, MONDO:0014714, OMIM 616632.
Autosomal dominant nonsyndromic hearing loss 1. Also called: DEAFNESS, AUTOSOMAL DOMINANT 1, WITH OR WITHOUT THROMBOCYTOPENIA; KONIGSMARK SYNDROME. Identifiers: Orphanet 90635, MedGen C1852282, MONDO:0007424, OMIM 124900.

Allele frequency attached by ClinVar (database versions not stated): ExAC 0.00001; gnomAD 0.00001; TOPMed 0.00001.
gnomAD v4.1: 63 of 1,614,078 alleles (0.0039%); highest among the groups gnomAD compares: Non-Finnish European, 0.0052%; no homozygotes.

Submissions (2):

Labcorp Genetics (formerly Invitae), Labcorp
Classification: Uncertain significance for Progressive microcephaly-seizures-cortical blindness-developmental delay syndrome; Autosomal dominant nonsyndromic hearing loss 1. Last evaluated: 2025-10-20. Review status: criteria provided, single submitter. Criteria: Invitae Variant Classification Sherloc (09022015). Collection method: clinical testing. Allele origin: germline.
Comment: This sequence change replaces asparagine, which is neutral and polar, with lysine, which is basic and polar, at codon 808 of the DIAPH1 protein (p.Asn808Lys). This variant is present in population databases (rs766731479, gnomAD 0.0009%). This variant has not been reported in the literature in individuals affected with DIAPH1-related conditions. ClinVar contains an entry for this variant (Variation ID: 577243). An algorithm developed to predict the effect of missense changes on protein structure and function (PolyPhen-2) suggests that this variant is likely to be disruptive. In summary, the available evidence is currently insufficient to determine the role of this variant in disease. Therefore, it has been classified as a Variant of Uncertain Significance.

Department of Pathology and Laboratory Medicine, Sinai Health System
Classification: Uncertain significance for progressive microcephaly-seizures-cortical blindness-developmental delay syndrome. Last evaluated: 2022-02-01. Review status: criteria provided, single submitter. Criteria: ACMG Guidelines, 2015. Collection method: research. Allele origin: germline.

NM_005219.5(DIAPH1):c.2424C>A (p.Asn808Lys)

Gene: DIAPH1 (diaphanous related formin 1; minus strand). Cytogenetic location: 5q31.3.
Variant type: single nucleotide variant.
Coding change: c.2424C>A on transcript NM_005219.5 (MANE Select); coding-DNA position 2424, C replaced by A.
Protein change: p.Asn808Lys; replaces asparagine 808 with lysine.
Molecular consequence: missense variant.
Genome position (GRCh38, 1-based): chr5:141,571,975, G>T on the plus strand (C>A on the coding strand, the complement: DIAPH1 is on the minus strand). VCF-style: chr5-141571975-G-T. GRCh37 (hg19) VCF-style: chr5-140951542-G-T.
Other names: c.2397C>A, p.Asn799Lys (NM_001079812.3); c.2424C>A, p.Asn808Lys (NM_001314007.2); short protein forms N799K, N808K.
Identifiers: ClinVar variation 577243 (VCV000577243.10), dbSNP rs766731479, ClinGen allele CA3479080.